The following is an entry in ClinVar:

ClinVar aggregate classification (germline): Uncertain significance (1 of 4 stars; one submission).

Conditions:
Charcot-Marie-Tooth disease type 2R. Also called: CHARCOT-MARIE-TOOTH DISEASE, AXONAL, AUTOSOMAL RECESSIVE, TYPE 2R; Charcot-Marie-Tooth disease, axonal, type 2R; CHARCOT-MARIE-TOOTH NEUROPATHY, TYPE 2R. Identifiers: Orphanet 397968, MedGen C3809655, MONDO:0014208, OMIM 615490.

Allele frequency attached by ClinVar (database versions not stated): gnomAD 0.00001; TOPMed 0.00001.
gnomAD v4.1: 8 of 1,613,644 alleles (0.0005%); highest among the groups gnomAD compares: Admixed American, 0.0017%; no homozygotes.

Submission:

Labcorp Genetics (formerly Invitae), Labcorp
Classification: Uncertain significance for Charcot-Marie-Tooth disease type 2R. Last evaluated: 2023-09-10. Review status: criteria provided, single submitter. Criteria: Invitae Variant Classification Sherloc (09022015). Collection method: clinical testing. Allele origin: germline.
Comment: In summary, the available evidence is currently insufficient to determine the role of this variant in disease. Therefore, it has been classified as a Variant of Uncertain Significance. An algorithm developed to predict the effect of missense changes on protein structure and function (PolyPhen-2) suggests that this variant is likely to be tolerated. This variant has not been reported in the literature in individuals affected with TRIM2-related conditions. This variant is present in population databases (no rsID available, gnomAD 0.0009%). This sequence change replaces alanine, which is neutral and non-polar, with proline, which is neutral and non-polar, at codon 425 of the TRIM2 protein (p.Ala425Pro).

NM_015271.5(TRIM2):c.1354G>C (p.Ala452Pro)

Gene: TRIM2 (tripartite motif containing 2; plus strand). Cytogenetic location: 4q31.3.
Variant type: single nucleotide variant.
Coding change: c.1354G>C on transcript NM_015271.5 (MANE Select); coding-DNA position 1354, G replaced by C.
Protein change: p.Ala452Pro; replaces alanine 452 with proline.
Molecular consequence: missense variant.
Genome position (GRCh38, 1-based): chr4:153,295,880, G>C. VCF-style: chr4-153295880-G-C. GRCh37 (hg19) VCF-style: chr4-154217032-G-C.
Other names: c.1273G>C, p.Ala425Pro (NM_001130067.2, NM_001351056.2, NM_001375512.1 and 5 more transcripts); c.1327G>C, p.Ala443Pro (NM_001351054.2); c.1324G>C, p.Ala442Pro (NM_001351055.2); c.898G>C, p.Ala300Pro (NM_001351057.2); c.1447G>C, p.Ala483Pro (NM_001375488.1); c.1444G>C, p.Ala482Pro (NM_001375489.1); c.1297G>C, p.Ala433Pro (NM_001375490.1); c.1294G>C, p.Ala432Pro (NM_001375491.1); and 3 more; short protein forms A340P, A482P, A483P, A425P, A433P, A339P, A341P, A442P.
Identifiers: ClinVar variation 2915390 (VCV002915390.3), dbSNP rs1167093363, ClinGen allele CA358473533.